The following is an entry in ClinVar:

NM_014363.6(SACS):c.5764_5767del (p.Leu1922fs)

Gene: SACS (sacsin molecular chaperone; minus strand). Cytogenetic location: 13q12.12.
Variant type: Microsatellite.
Coding change: c.5764_5767del on transcript NM_014363.6 (MANE Select); coding-DNA positions 5764 to 5767, 4 bases deleted (TTAC; older notation c.5764_5767delTTAC).
Protein change: p.Leu1922fs; shifts the reading frame from leucine 1922.
Molecular consequence: frameshift variant.
Genome position (GRCh38, 1-based): chr13:23,338,109-23,338,112, GTAA deleted on the plus strand (TTAC on the coding strand, the reverse complement: SACS is on the minus strand); deleting any 4 consecutive bases within chr13:23,338,109-23,338,117 gives the same sequence; the c. name uses the placement nearest the transcript's 3' end. VCF-style (leftmost placement, unchanged base first): chr13-23338108-TGTAA-T. GRCh37 (hg19) VCF-style: chr13-23912247-TGTAA-T.
Other names: c.5323_5326del, p.Leu1775fs (NM_001278055.2); short protein forms L1775fs, L1922fs.
Identifiers: ClinVar variation 371031 (VCV000371031.6), dbSNP rs759166250, ClinGen allele CA6911197.

ClinVar aggregate classification (germline): Pathogenic. Review status: criteria provided, single submitter (1 of 4 stars). 2 submissions from 2 submitters: Pathogenic (1). 1 of the submissions does not count toward it. Last evaluated 2022-12-20.

Conditions:
Spastic paraplegia. Identifiers: MedGen C0037772, HP:0001258.
Charlevoix-Saguenay spastic ataxia (SACS). Also called: AUTOSOMAL RECESSIVE SPASTIC ATAXIA OF CHARLEVOIX-SAGUENAY; SPASTIC ATAXIA 6, AUTOSOMAL RECESSIVE; Spastic ataxia of Charlevoix-Saguenay. Identifiers: Orphanet 98, MedGen C1849140, MONDO:0010041, OMIM 270550.

Submissions (2):

Labcorp Genetics (formerly Invitae), Labcorp
Classification: Pathogenic for Spastic paraplegia. Last evaluated: 2022-12-20. Review status: criteria provided, single submitter. Criteria: Invitae Variant Classification Sherloc (09022015). Collection method: clinical testing. Allele origin: germline.
Comment: For these reasons, this variant has been classified as Pathogenic. This variant disrupts a region of the SACS protein in which other variant(s) (p.Asn4549Asp) have been determined to be pathogenic (PMID: 15156359, 21507954). This suggests that this is a clinically significant region of the protein, and that variants that disrupt it are likely to be disease-causing. This premature translational stop signal has been observed in individual(s) with SACS-related conditions (PMID: 26288984). This variant is present in population databases (rs759166250, gnomAD 0.0009%). This sequence change creates a premature translational stop signal (p.Leu1922Argfs*3) in the SACS gene. While this is not anticipated to result in nonsense mediated decay, it is expected to disrupt the last 2658 amino acid(s) of the SACS protein.

Counsyl
Classification: Likely pathogenic for Charlevoix-Saguenay spastic ataxia. Last evaluated: 2016-06-09. Review status: no assertion criteria provided. Collection method: clinical testing. Allele origin: unknown. Not counted in ClinVar's aggregate classification.

Literature cited by the submitters: PubMed 15156359 (cited by Labcorp Genetics (formerly Invitae), Labcorp); PubMed 21507954 (cited by Labcorp Genetics (formerly Invitae), Labcorp); PubMed 26288984 (cited by Labcorp Genetics (formerly Invitae), Labcorp).